The following is an entry in ClinVar:

NM_020117.11(LARS1):c.595-326T>C

Gene: LARS1 (leucyl-tRNA synthetase 1; minus strand). Cytogenetic location: 5q32.
Variant type: single nucleotide variant.
Coding change: c.595-326T>C on transcript NM_020117.11 (MANE Select); 326 bases into the intron before coding-DNA position 595, T replaced by C.
Molecular consequence: intron variant.
Genome position (GRCh38, 1-based): chr5:146,160,812, A>G on the plus strand (T>C on the coding strand, the complement: LARS1 is on the minus strand). VCF-style: chr5-146160812-A-G. GRCh37 (hg19) VCF-style: chr5-145540375-A-G.
Other names: c.433-326T>C (NM_001317965.2); c.514-326T>C (NM_016460.4); c.457-326T>C (NM_001317964.2).
Identifiers: ClinVar variation 684227 (VCV000684227.1), dbSNP rs66891285, ClinGen allele CA128857386.
Genomic context (GRCh38, chr5:146,160,812, plus strand): 5'-TTCCTAAATATTCAAGTTAAACTTGGGCTTCTTCATATTCTTTGAATAAAGCTCCTTTCT[A>G]CTAATTGTTAATATGTCAATATACATTCTAATTCAACAAATAGTGAAGTATTCATTGTTA-3'

ClinVar aggregate classification (germline): Benign (1 of 4 stars; one submission).

Allele frequency attached by ClinVar (database versions not stated): 1000 Genomes Project 0.07208; 1000 Genomes Project 30x 0.07620; gnomAD 0.09018 and 0.09317; TOPMed 0.09362.
gnomAD v4.1: 13,658 of 152,252 alleles (9%); highest among the groups gnomAD compares: African/African-American, 15%; 760 homozygotes.

Submission:

GeneDx
Classification: Benign. Last evaluated: 2018-06-14. Review status: criteria provided, single submitter. Criteria: GeneDx Variant Classification (06012015). Collection method: clinical testing. Allele origin: germline. Affected: yes.
Comment: This variant is considered likely benign or benign based on one or more of the following criteria: it is a conservative change, it occurs at a poorly conserved position in the protein, it is predicted to be benign by multiple in silico algorithms, and/or has population frequency not consistent with disease.